The following is an entry in ClinVar:

NM_001080449.3(DNA2):c.1711dup (p.Ile571fs)

Gene: DNA2 (DNA replication helicase/nuclease 2; minus strand). Cytogenetic location: 10q21.3.
Variant type: Duplication.
Coding change: c.1711dup on transcript NM_001080449.3 (MANE Select); coding-DNA position 1711, one base duplicated (A; older notation c.1711dupA).
Protein change: p.Ile571fs; shifts the reading frame from isoleucine 571.
Molecular consequence: frameshift variant. On other transcripts: non-coding transcript variant (1).
Genome position (GRCh38, 1-based): chr10:68,432,446, T duplicated on the plus strand (A on the coding strand, the reverse complement: DNA2 is on the minus strand). VCF-style (leftmost placement, unchanged base first): chr10-68432445-A-AT. GRCh37 (hg19) VCF-style: chr10-70192202-A-AT.
Other names: c.1711dup (NM_001080449.2); short protein forms I571fs.
Identifiers: ClinVar variation 1710083 (VCV001710083.10), dbSNP rs1469135249, ClinGen allele CA593852941.

ClinVar aggregate classification (germline): Pathogenic/Likely pathogenic. Review status: criteria provided, multiple submitters, no conflicts (2 of 4 stars). 3 submissions from 3 submitters: Pathogenic (1); Likely pathogenic (1). 1 of the submissions does not count toward it. Last evaluated 2023-01-13.

Conditions:
Rothmund-Thomson syndrome type 4. Identifiers: MedGen C5935619, MONDO:0970950, OMIM 620819.
Rothmund-Thomson syndrome (RTS). Also called: Poikiloderma Congenitale; Poikiloderma of Rothmund-Thomson. Identifiers: Orphanet 2909, MedGen C0032339, MONDO:0010002.

Allele frequency attached by ClinVar (database versions not stated): gnomAD exomes below 0.00001; gnomAD 0.00001.

Submissions (3):

GeneDx
Classification: Likely pathogenic. Last evaluated: 2023-01-13. Review status: criteria provided, single submitter. Criteria: GeneDx Variant Classification Process June 2021. Collection method: clinical testing. Allele origin: germline. Affected: yes.
Comment: Frameshift variant predicted to result in protein truncation or nonsense mediated decay in a gene for which loss-of-function is a known mechanism of disease; Not observed at significant frequency in large population cohorts (gnomAD); Has not been previously published as pathogenic or benign to our knowledge

Human Genome and Stem Cell Research Center, Department of Genetics and Evolutionary Biology, Institute of Biosciences, University of São Paulo
Classification: Pathogenic for Rothmund-Thomson syndrome. Last evaluated: 2022-09-22. Review status: criteria provided, single submitter. Criteria: ACMG Guidelines, 2015. Collection method: research. Allele origin: maternal. Inheritance: Autosomal recessive inheritance. Affected: yes. Observed: 2 compound heterozygotes. Clinical features observed: Poikiloderma (HP:0001029), Developmental cataract (HP:0000519), Severe postnatal growth retardation (HP:0008850). Segregation with disease observed.
Comment: Pathogenic (PM2, PVS1, PP1)

OMIM
Classification: Pathogenic for ROTHMUND-THOMSON SYNDROME, TYPE 4. Last evaluated: 2024-05-07. Review status: no assertion criteria provided. Collection method: literature only. Allele origin: germline. Not counted in ClinVar's aggregate classification.

Literature cited by the submitters: PubMed 37055165 (cited by OMIM).